The following is an entry in ClinVar:

ClinVar aggregate classification (germline): Uncertain significance (1 of 4 stars; one submission).

gnomAD v4.1: 1 of 1,613,620 alleles (0.000062%); highest among the groups gnomAD compares: African/African-American, 0.0013%; no homozygotes.

Submission:

GeneDx
Classification: Uncertain significance. Last evaluated: 2023-06-02. Review status: criteria provided, single submitter. Criteria: GeneDx Variant Classification Process June 2021. Collection method: clinical testing. Allele origin: germline. Affected: yes.
Comment: In silico analysis supports that this missense variant has a deleterious effect on protein structure/function; Has not been previously published as pathogenic or benign to our knowledge

NM_021072.4(HCN1):c.1625G>T (p.Cys542Phe)

Gene: HCN1 (hyperpolarization activated cyclic nucleotide gated potassium channel 1; minus strand). Cytogenetic location: 5p12.
Variant type: single nucleotide variant.
Coding change: c.1625G>T on transcript NM_021072.4 (MANE Select); coding-DNA position 1625, G replaced by T.
Protein change: p.Cys542Phe; replaces cysteine 542 with phenylalanine.
Molecular consequence: missense variant.
Genome position (GRCh38, 1-based): chr5:45,267,247, C>A on the plus strand (G>T on the coding strand, the complement: HCN1 is on the minus strand). VCF-style: chr5-45267247-C-A. GRCh37 (hg19) VCF-style: chr5-45267349-C-A.
Other names: short protein forms C542F.
Identifiers: ClinVar variation 3362204 (VCV003362204.1).